The following is an entry in ClinVar:

NM_018060.4(IARS2):c.2767G>A (p.Glu923Lys)

Gene: IARS2 (isoleucyl-tRNA synthetase 2, mitochondrial; plus strand). Cytogenetic location: 1q41.
Variant type: single nucleotide variant.
Coding change: c.2767G>A on transcript NM_018060.4 (MANE Select); coding-DNA position 2767, G replaced by A.
Protein change: p.Glu923Lys; replaces glutamic acid 923 with lysine.
Molecular consequence: missense variant.
Genome position (GRCh38, 1-based): chr1:220,145,524, G>A. VCF-style: chr1-220145524-G-A. GRCh37 (hg19) VCF-style: chr1-220318866-G-A.
Other names: short protein forms E923K.
Identifiers: ClinVar variation 1722835 (VCV001722835.3), dbSNP rs1558133314, ClinGen allele CA344618199.
Genomic context (GRCh38, chr1:220,145,524, plus strand): 5'-GTACAAATTTAACATAAACTGTAACTTTCACATGCTTCCTTCCAGATGCTGCAGTCTGAA[G>A]AGACTTCCAGCACCTCTCAGTTGAATGAATTAATGATGGCTTCTGAGTCAACTTTACTGG-3'
Protein context (NP_060530.3, residues 913-933): FEIIEMLQSE[Glu923Lys]TSSTSQLNEL

ClinVar aggregate classification (germline): Uncertain significance (1 of 4 stars; one submission).

Allele frequency attached by ClinVar (database versions not stated): TOPMed below 0.00001; gnomAD exomes 0.00001.
gnomAD v4.1: 10 of 1,611,546 alleles (0.00062%); highest among the groups gnomAD compares: Non-Finnish European, 0.00085%; no homozygotes.

Submission:

GeneDx
Classification: Uncertain significance. Last evaluated: 2023-10-11. Review status: criteria provided, single submitter. Criteria: GeneDx Variant Classification Process June 2021. Collection method: clinical testing. Allele origin: germline. Affected: yes.
Comment: Not observed at significant frequency in large population cohorts (gnomAD); In silico analysis supports that this missense variant does not alter protein structure/function; Has not been previously published as pathogenic or benign to our knowledge